The following is an entry in ClinVar:

ClinVar aggregate classification (germline): Uncertain significance. Review status: criteria provided, multiple submitters, no conflicts (2 of 4 stars). 2 submissions from 2 submitters: Uncertain significance (2). Last evaluated 2024-10-28.

Conditions:
Oculodentodigital dysplasia, autosomal recessive. Also called: OCULODENTOOSSEOUS DYSPLASIA, AUTOSOMAL RECESSIVE; ODDD, AUTOSOMAL RECESSIVE; ODOD, AUTOSOMAL RECESSIVE. Identifiers: Orphanet 2710, MedGen C2749477, MONDO:0009768, OMIM 257850.
GJA1-related disorder. Also called: GJA1-related condition.

Allele frequency attached by ClinVar (database versions not stated): gnomAD exomes below 0.00001.
gnomAD v4.1: 1 of 1,614,010 alleles (0.000062%); highest among the groups gnomAD compares: Non-Finnish European, 0.000085%; no homozygotes.

Submissions (2):

Labcorp Genetics (formerly Invitae), Labcorp
Classification: Uncertain significance for Oculodentodigital dysplasia, autosomal recessive. Last evaluated: 2024-10-28. Review status: criteria provided, single submitter. Criteria: Invitae Variant Classification Sherloc (09022015). Collection method: clinical testing. Allele origin: germline.
Comment: This sequence change replaces serine, which is neutral and polar, with asparagine, which is neutral and polar, at codon 182 of the GJA1 protein (p.Ser182Asn). This variant is not present in population databases (gnomAD no frequency). This variant has not been reported in the literature in individuals affected with GJA1-related conditions. ClinVar contains an entry for this variant (Variation ID: 2120526). An algorithm developed to predict the effect of missense changes on protein structure and function outputs the following: PolyPhen-2: "Benign". The asparagine amino acid residue is found in multiple mammalian species, which suggests that this missense change does not adversely affect protein function. In summary, the available evidence is currently insufficient to determine the role of this variant in disease. Therefore, it has been classified as a Variant of Uncertain Significance.

PreventionGenetics, part of Exact Sciences
Classification: Uncertain significance for GJA1-related condition. Last evaluated: 2023-05-19. Review status: criteria provided, single submitter. Criteria: ACMG Guidelines, 2015. Collection method: clinical testing. Allele origin: germline.
Comment: The GJA1 c.545G>A variant is predicted to result in the amino acid substitution p.Ser182Asn. To our knowledge, this variant has not been reported in the literature or in a large population database, indicating this variant is rare. At this time, the clinical significance of this variant is uncertain due to the absence of conclusive functional and genetic evidence.

NM_000165.5(GJA1):c.545G>A (p.Ser182Asn)

Gene: GJA1 (gap junction protein alpha 1; plus strand). Cytogenetic location: 6q22.31.
Variant type: single nucleotide variant.
Coding change: c.545G>A on transcript NM_000165.5 (MANE Select); coding-DNA position 545, G replaced by A.
Protein change: p.Ser182Asn; replaces serine 182 with asparagine.
Molecular consequence: missense variant.
Genome position (GRCh38, 1-based): chr6:121,447,392, G>A. VCF-style: chr6-121447392-G-A. GRCh37 (hg19) VCF-style: chr6-121768538-G-A.
Other names: c.545G>A (NM_000165.4); short protein forms S182N.
Identifiers: ClinVar variation 2120526 (VCV002120526.5), dbSNP rs2536822048, ClinGen allele CA365559251.